The following is an entry in ClinVar:

ClinVar aggregate classification (germline): Uncertain significance (1 of 4 stars; one submission).

Conditions:
Autosomal recessive distal spinal muscular atrophy 1. Also called: NEURONOPATHY, DISTAL HEREDITARY MOTOR, HARDING TYPE VI; NEUROPATHY, DISTAL HEREDITARY MOTOR, AUTOSOMAL RECESSIVE 1; NEURONOPATHY, SEVERE INFANTILE AXONAL, WITH RESPIRATORY FAILURE; SEVERE INFANTILE AXONAL NEUROPATHY WITH RESPIRATORY FAILURE; SPINAL MUSCULAR ATROPHY, DIAPHRAGMATIC; Spinal muscular atrophy with respiratory distress 1. Identifiers: Orphanet 98920, MedGen C1858517, MONDO:0011436, OMIM 604320.
Charcot-Marie-Tooth disease axonal type 2S. Also called: CHARCOT-MARIE-TOOTH NEUROPATHY, TYPE 2S; CHARCOT-MARIE-TOOTH DISEASE, AXONAL, AUTOSOMAL RECESSIVE, TYPE 2S. Identifiers: Orphanet 443073, MedGen C4015349, MONDO:0014511, OMIM 616155.

gnomAD v4.1: 3 of 1,613,410 alleles (0.00019%); highest among the groups gnomAD compares: South Asian, 0.0033%; no homozygotes.

Submission:

Labcorp Genetics (formerly Invitae), Labcorp
Classification: Uncertain significance for Autosomal recessive distal spinal muscular atrophy 1; Charcot-Marie-Tooth disease axonal type 2S. Last evaluated: 2022-07-08. Review status: criteria provided, single submitter. Criteria: Invitae Variant Classification Sherloc (09022015). Collection method: clinical testing. Allele origin: germline.
Comment: This sequence change replaces tyrosine, which is neutral and polar, with cysteine, which is neutral and slightly polar, at codon 951 of the IGHMBP2 protein (p.Tyr951Cys). This variant is present in population databases (rs541833561, gnomAD 0.003%). This variant has not been reported in the literature in individuals affected with IGHMBP2-related conditions. Advanced modeling of protein sequence and biophysical properties (such as structural, functional, and spatial information, amino acid conservation, physicochemical variation, residue mobility, and thermodynamic stability) performed at Invitae indicates that this missense variant is not expected to disrupt IGHMBP2 protein function. In summary, the available evidence is currently insufficient to determine the role of this variant in disease. Therefore, it has been classified as a Variant of Uncertain Significance.

NM_002180.3(IGHMBP2):c.2852A>G (p.Tyr951Cys)

Gene: IGHMBP2 (immunoglobulin mu DNA binding protein 2; plus strand). Cytogenetic location: 11q13.3.
Variant type: single nucleotide variant.
Coding change: c.2852A>G on transcript NM_002180.3 (MANE Select); coding-DNA position 2852, A replaced by G.
Protein change: p.Tyr951Cys; replaces tyrosine 951 with cysteine.
Molecular consequence: missense variant.
Genome position (GRCh38, 1-based): chr11:68,939,601, A>G. VCF-style: chr11-68939601-A-G. GRCh37 (hg19) VCF-style: chr11-68707069-A-G.
Other names: short protein forms Y951C.
Identifiers: ClinVar variation 2102843 (VCV002102843.4), dbSNP rs541833561, ClinGen allele CA6154040.